The following is an entry in ClinVar:

NM_007194.4(CHEK2):c.985T>A (p.Tyr329Asn)

Gene: CHEK2 (checkpoint kinase 2; minus strand). Cytogenetic location: 22q12.1.
Variant type: single nucleotide variant.
Coding change: c.985T>A on transcript NM_007194.4 (MANE Select); coding-DNA position 985, T replaced by A.
Protein change: p.Tyr329Asn; replaces tyrosine 329 with asparagine.
Molecular consequence: missense variant.
Genome position (GRCh38, 1-based): chr22:28,699,861, A>T on the plus strand (T>A on the coding strand, the complement: CHEK2 is on the minus strand). VCF-style: chr22-28699861-A-T. GRCh37 (hg19) VCF-style: chr22-29095849-A-T.
Other names: c.1114T>A, p.Tyr372Asn (NM_001005735.3); c.322T>A, p.Tyr108Asn (NM_001257387.3); c.784T>A, p.Tyr262Asn (NM_001349956.3); c.985T>A, p.Tyr329Asn (NM_145862.3); short protein forms Y329N, Y262N, Y108N, Y372N.
Identifiers: ClinVar variation 628141 (VCV000628141.5), dbSNP rs866542645, ClinGen allele CA411099529.
Genomic context (GRCh38, chr22:28,699,861, plus strand): 5'-AAAGGCAGCTGTCAAAAGAATTGAGGGCTTCTTTTACCTGCACAGCCAAGAGCATCTGGT[A>T]AAAATAGAGCTTGCAGGTAGCTTCTTTCAGGCGTTTATTCCCCACCACTTTGTCAAACAG-3'
Protein context (NP_009125.1, residues 319-339): LKEATCKLYF[Tyr329Asn]QMLLAVQYLH

ClinVar aggregate classification (germline): Uncertain significance. Review status: criteria provided, multiple submitters, no conflicts (2 of 4 stars). 3 submissions from 3 submitters: Uncertain significance (3). Last evaluated 2024-11-18.

Conditions:
Familial cancer of breast. Also called: BREAST CANCER, FAMILIAL; Hereditary breast cancer; hereditary breast carcinoma. Identifiers: Orphanet 227535, MedGen C0346153, MONDO:0016419, OMIM 114480. Disease mechanism: loss of function.
Hereditary cancer-predisposing syndrome. Also called: Neoplastic Syndromes, Hereditary; Tumor predisposition; Hereditary neoplastic syndrome; Hereditary Cancer Syndrome. Identifiers: Orphanet 140162, MedGen C0027672, MeSH D009386, MONDO:0015356.

Allele frequency attached by ClinVar (database versions not stated): gnomAD exomes below 0.00001.
gnomAD v4.1: 1 of 1,613,742 alleles (0.000062%); highest among the groups gnomAD compares: Non-Finnish European, 0.000085%; no homozygotes.

Submissions (3):

Labcorp Genetics (formerly Invitae), Labcorp
Classification: Uncertain significance for Familial cancer of breast. Last evaluated: 2024-11-18. Review status: criteria provided, single submitter. Criteria: Invitae Variant Classification Sherloc (09022015). Collection method: clinical testing. Allele origin: germline.
Comment: This sequence change replaces tyrosine, which is neutral and polar, with asparagine, which is neutral and polar, at codon 329 of the CHEK2 protein (p.Tyr329Asn). This variant is not present in population databases (gnomAD no frequency). This variant has not been reported in the literature in individuals affected with CHEK2-related conditions. ClinVar contains an entry for this variant (Variation ID: 628141). An algorithm developed to predict the effect of missense changes on protein structure and function (PolyPhen-2) suggests that this variant is likely to be disruptive. In summary, the available evidence is currently insufficient to determine the role of this variant in disease. Therefore, it has been classified as a Variant of Uncertain Significance.

Ambry Genetics
Classification: Uncertain significance for Hereditary cancer-predisposing syndrome. Last evaluated: 2023-11-01. Review status: criteria provided, single submitter. Criteria: Ambry Variant Classification Scheme 2023. Collection method: clinical testing. Allele origin: germline.
Comment: The p.Y329N variant (also known as c.985T>A), located in coding exon 8 of the CHEK2 gene, results from a T to A substitution at nucleotide position 985. The tyrosine at codon 329 is replaced by asparagine, an amino acid with dissimilar properties. This alteration was reported as functionally intermediate in a study assessing CHEK2-complementation through quantification of KAP1 phosphorylation and CHK2 autophosphorylation in human RPE1-CHEK2-knockout cells (Stolarova L et al. Clin Cancer Res, 2023 Aug;29:3037-3050). This amino acid position is highly conserved in available vertebrate species. In addition, this alteration is predicted to be deleterious by in silico analysis. Since supporting evidence is limited at this time, the clinical significance of this alteration remains unclear.

Color Diagnostics, LLC DBA Color Health
Classification: Uncertain significance for Hereditary cancer-predisposing syndrome. Last evaluated: 2018-10-19. Review status: criteria provided, single submitter. Criteria: ACMG Guidelines, 2015. Collection method: clinical testing. Allele origin: germline.

Literature cited by the submitters: PubMed 37449874 (cited by Ambry Genetics).